The following is an entry in ClinVar:

ClinVar aggregate classification (germline): Uncertain significance (1 of 4 stars; one submission).

Conditions:
Developmental and epileptic encephalopathy, 28 (DEE28). Also called: Epileptic encephalopathy, early infantile, 28. Identifiers: Orphanet 442835, MedGen C4015519, MONDO:0014533, OMIM 616211.

Submission:

Centre for Mendelian Genomics, University Medical Centre Ljubljana
Classification: Uncertain significance for Developmental and epileptic encephalopathy, 28. Last evaluated: 2019-03-18. Review status: criteria provided, single submitter. Criteria: ACMG Guidelines, 2015. Collection method: clinical testing. Allele origin: unknown. Affected: yes.
Comment: This variant was classified as: Uncertain significance. The available evidence on this variant's pathogenicity is insufficient or conflicting. The following ACMG criteria were applied in classifying this variant: PM2.

NM_016373.4(WWOX):c.791+18A>T

Gene: WWOX (WW domain containing oxidoreductase; plus strand). Cytogenetic location: 16q23.1.
Variant type: single nucleotide variant.
Coding change: c.791+18A>T on transcript NM_016373.4 (MANE Select); 18 bases into the intron after coding-DNA position 791, A replaced by T.
Molecular consequence: intron variant.
Genome position (GRCh38, 1-based): chr16:78,425,073, A>T. VCF-style: chr16-78425073-A-T. GRCh37 (hg19) VCF-style: chr16-78458970-A-T.
Other names: c.452+18A>T (NM_001291997.2).
Identifiers: ClinVar variation 931770 (VCV000931770.3), dbSNP rs1023123497, ClinGen allele CA1139664839.